The following is an entry in ClinVar:

ClinVar aggregate classification (germline): Uncertain significance (1 of 4 stars; one submission).

Conditions:
Long QT syndrome (LQTS). Identifiers: MedGen C0023976, MeSH D008133, MONDO:0002442. Disease mechanism: loss of function. Inheritance: Various modes of inheritance.

Allele frequency attached by ClinVar (database versions not stated): gnomAD 0.00001; TOPMed 0.00001.
gnomAD v4.1: 1 of 1,614,016 alleles (0.000062%); highest among the groups gnomAD compares: African/African-American, 0.0013%; no homozygotes.

Submission:

Labcorp Genetics (formerly Invitae), Labcorp
Classification: Uncertain significance for Long QT syndrome. Last evaluated: 2022-07-13. Review status: criteria provided, single submitter. Criteria: Invitae Variant Classification Sherloc (09022015). Collection method: clinical testing. Allele origin: germline.
Comment: This variant is not present in population databases (gnomAD no frequency). This sequence change replaces isoleucine, which is neutral and non-polar, with serine, which is neutral and polar, at codon 3309 of the AKAP9 protein (p.Ile3309Ser). This variant has not been reported in the literature in individuals affected with AKAP9-related conditions. In summary, the available evidence is currently insufficient to determine the role of this variant in disease. Therefore, it has been classified as a Variant of Uncertain Significance. Algorithms developed to predict the effect of missense changes on protein structure and function are either unavailable or do not agree on the potential impact of this missense change (SIFT: "Tolerated"; PolyPhen-2: "Possibly Damaging"; Align-GVGD: "Class C0").

NM_005751.5(AKAP9):c.9926T>G (p.Ile3309Ser)

Gene: AKAP9 (A-kinase anchoring protein 9; plus strand). Cytogenetic location: 7q21.2.
Variant type: single nucleotide variant.
Coding change: c.9926T>G on transcript NM_005751.5 (MANE Select); coding-DNA position 9926, T replaced by G.
Protein change: p.Ile3309Ser; replaces isoleucine 3309 with serine.
Molecular consequence: missense variant.
Genome position (GRCh38, 1-based): chr7:92,096,885, T>G. VCF-style: chr7-92096885-T-G. GRCh37 (hg19) VCF-style: chr7-91726199-T-G.
Other names: c.4571T>G, p.Ile1524Ser (NM_001379277.1); c.9902T>G, p.Ile3301Ser (NM_147185.3); short protein forms I3309S, I1524S, I3301S.
Identifiers: ClinVar variation 2193802 (VCV002193802.4), dbSNP rs1816681439, ClinGen allele CA368152031.